The following is an entry in ClinVar:

NM_004415.4(DSP):c.-7C>T

Genes: DSP (desmoplakin; plus strand), DSP-AS1 (DSP antisense RNA 1; minus strand). Cytogenetic location: 6p24.3.
Variant type: single nucleotide variant.
Coding change: c.-7C>T on transcript NM_004415.4 (MANE Select); 7 bases upstream of the start codon, C replaced by T.
Molecular consequence: 5 prime UTR variant.
Genome position (GRCh38, 1-based): chr6:7,541,909, C>T. VCF-style: chr6-7541909-C-T. GRCh37 (hg19) VCF-style: chr6-7542142-C-T.
Other names: c.-7C>T (NM_001008844.3, NM_001319034.2, NM_001406591.1).
Identifiers: ClinVar variation 2775252 (VCV002775252.2), dbSNP rs769398552, ClinGen allele CA565358073.

ClinVar aggregate classification (germline): Uncertain significance (1 of 4 stars; one submission).

Conditions:
Cardiomyopathy (CMYO). Also called: Cardiomyopathies. Identifiers: Orphanet 167848, MedGen C0878544, MONDO:0004994, HP:0001638. Inheritance: Various modes of inheritance.

Allele frequency attached by ClinVar (database versions not stated): gnomAD 0.00001; gnomAD exomes 0.00001; TOPMed below 0.00001.
gnomAD v4.1: 9 of 1,603,204 alleles (0.00056%); highest among the groups gnomAD compares: Non-Finnish European, 0.00076%; no homozygotes.

Submission:

Color Diagnostics, LLC DBA Color Health
Classification: Uncertain significance for Cardiomyopathy. Last evaluated: 2023-08-31. Review status: criteria provided, single submitter. Criteria: ACMG Guidelines, 2015. Collection method: clinical testing. Allele origin: germline.
Comment: This variant is located in the 5' untranslated region of the DSP gene. To our knowledge, functional studies have not been reported for this variant. This variant has not been reported in individuals affected with DSP-related disorders in the literature. This variant has not been identified in the general population by the Genome Aggregation Database (gnomAD). The available evidence is insufficient to determine the role of this variant in disease conclusively. Therefore, this variant is classified as a Variant of Uncertain Significance.